The following is an entry in ClinVar:

ClinVar aggregate classification (germline): Benign. Review status: criteria provided, multiple submitters, no conflicts (2 of 4 stars). 8 submissions from 8 submitters: Benign (6). 2 of the submissions do not count toward it. Last evaluated 2026-02-03.

Conditions:
Familial encephalopathy with neuroserpin inclusion bodies. Also called: ENCEPHALOPATHY, FAMILIAL, WITH COLLINS BODIES. Identifiers: Orphanet 85110, MedGen C1858680, MONDO:0011412, OMIM 604218.

Allele frequency attached by ClinVar (database versions not stated): gnomAD exomes 0.09422 and 0.09974; ExAC 0.09799; 1000 Genomes Project 0.11422; 1000 Genomes Project 30x 0.11477; ESP Exome Variant Server 0.12548; gnomAD 0.12694 and 0.13147; TOPMed 0.13091.
gnomAD v4.1: 156,999 of 1,613,712 alleles (9.7%); highest among the groups gnomAD compares: African/African-American, 21%; 8,655 homozygotes.

Submissions (8):

Labcorp Genetics (formerly Invitae), Labcorp
Classification: Benign for Familial encephalopathy with neuroserpin inclusion bodies. Last evaluated: 2026-02-03. Review status: criteria provided, single submitter. Criteria: Invitae Variant Classification Sherloc (09022015). Collection method: clinical testing. Allele origin: germline.

Blueprint Genetics
Classification: Benign. Last evaluated: 2024-11-26. Review status: criteria provided, single submitter. Criteria: ACMG Guidelines, 2015. Collection method: clinical testing. Allele origin: germline.

GeneDx
Classification: Benign. Last evaluated: 2021-05-05. Review status: criteria provided, single submitter. Criteria: GeneDx Variant Classification Process June 2021. Collection method: clinical testing. Allele origin: germline. Affected: yes.

Mayo Clinic Laboratories, Mayo Clinic
Classification: Benign. Last evaluated: 2018-04-10. Review status: criteria provided, single submitter. Criteria: ACMG Guidelines, 2015. Collection method: clinical testing. Allele origin: germline. Observed: 134 variant alleles.

Illumina Laboratory Services, Illumina
Classification: Benign for Familial encephalopathy with neuroserpin inclusion bodies. Last evaluated: 2018-01-13. Review status: criteria provided, single submitter. Criteria: ICSL Variant Classification Criteria 13 December 2019. Collection method: clinical testing. Allele origin: germline.
Comment: This variant was observed in the ICSL laboratory as part of a predisposition screen in an ostensibly healthy population. It had not been previously curated by ICSL or reported in the Human Gene Mutation Database (HGMD: prior to June 1st, 2018), and was therefore a candidate for classification through an automated scoring system. Utilizing variant allele frequency, disease prevalence and penetrance estimates, and inheritance mode, an automated score was calculated to assess if this variant is too frequent to cause the disease. Based on the score and internal cut-off values, a variant classified as benign is not then subjected to further curation. The score for this variant resulted in a classification of benign for this disease.

Breakthrough Genomics
Classification: Benign. Review status: criteria provided, single submitter. Criteria: ACMG Guidelines, 2015. Collection method: not provided. Allele origin: germline. Inheritance: Autosomal dominant inheritance. Affected: yes.

Clinical Genetics DNA and cytogenetics Diagnostics Lab, Erasmus MC, Erasmus Medical Center
Classification: Benign. Review status: no assertion criteria provided. Collection method: clinical testing. Allele origin: germline. Affected: yes. Study: VKGL Data-share Consensus. Not counted in ClinVar's aggregate classification.

Genome Diagnostics Laboratory, Amsterdam University Medical Center
Classification: Benign. Review status: no assertion criteria provided. Collection method: clinical testing. Allele origin: germline. Affected: yes. Study: VKGL Data-share Consensus. Not counted in ClinVar's aggregate classification.

NM_001122752.2(SERPINI1):c.51A>G (p.Thr17=)

Gene: SERPINI1 (serpin family I member 1; plus strand). Cytogenetic location: 3q26.1.
Variant type: single nucleotide variant.
Coding change: c.51A>G on transcript NM_001122752.2 (MANE Select); coding-DNA position 51, A replaced by G.
Protein change: p.Thr17=; no amino-acid change (threonine 17 retained).
Molecular consequence: synonymous variant.
Genome position (GRCh38, 1-based): chr3:167,789,179, A>G. VCF-style: chr3-167789179-A-G. GRCh37 (hg19) VCF-style: chr3-167506967-A-G.
Other names: p.Thr17=; c.51A>G, p.Thr17= (NM_005025.5).
Identifiers: ClinVar variation 344120 (VCV000344120.19), dbSNP rs34582040, ClinGen allele CA2694716.